The following is an entry in ClinVar:

ClinVar aggregate classification (germline): Uncertain significance (1 of 4 stars; one submission).

Conditions:
Hereditary nonpolyposis colorectal neoplasms. Identifiers: MedGen C0009405, MeSH D003123.

Submission:

Labcorp Genetics (formerly Invitae), Labcorp
Classification: Uncertain significance for Hereditary nonpolyposis colorectal neoplasms. Last evaluated: 2026-01-28. Review status: criteria provided, single submitter. Criteria: Invitae Variant Classification Sherloc (09022015). Collection method: clinical testing. Allele origin: germline.
Comment: This sequence change replaces alanine, which is neutral and non-polar, with serine, which is neutral and polar, at codon 342 of the MSH6 protein (p.Ala342Ser). This variant is not present in population databases (gnomAD no frequency). This variant has not been reported in the literature in individuals affected with MSH6-related conditions. Invitae Evidence Modeling of protein sequence and biophysical properties (such as structural, functional, and spatial information, amino acid conservation, physicochemical variation, residue mobility, and thermodynamic stability) indicates that this missense variant is not expected to disrupt MSH6 protein function with a negative predictive value of 95%. In summary, the available evidence is currently insufficient to determine the role of this variant in disease. Therefore, it has been classified as a Variant of Uncertain Significance.

NM_000179.3(MSH6):c.1024G>T (p.Ala342Ser)

Gene: MSH6 (mutS homolog 6; plus strand). Cytogenetic location: 2p16.3.
Variant type: single nucleotide variant.
Coding change: c.1024G>T on transcript NM_000179.3 (MANE Select); coding-DNA position 1024, G replaced by T.
Protein change: p.Ala342Ser; replaces alanine 342 with serine.
Molecular consequence: missense variant. On other transcripts: non-coding transcript variant (4), intron variant (1).
Genome position (GRCh38, 1-based): chr2:47,799,007, G>T. VCF-style: chr2-47799007-G-T. GRCh37 (hg19) VCF-style: chr2-48026146-G-T.
Other names: c.634G>T, p.Ala212Ser (NM_001281492.2); c.118G>T, p.Ala40Ser (NM_001281493.2, NM_001281494.2, NM_001406811.1 and 6 more transcripts); c.1120G>T, p.Ala374Ser (NM_001406795.1, NM_001406802.1); c.1024G>T, p.Ala342Ser (NM_001406796.1, NM_001406798.1, NM_001406800.1 and 4 more transcripts); c.727G>T, p.Ala243Ser (NM_001406797.1, NM_001406801.1, NM_001406805.1 and 10 more transcripts); c.499G>T, p.Ala167Ser (NM_001406799.1, NM_001406806.1, NM_001406807.1); c.946G>T, p.Ala316Ser (NM_001406804.1); c.1030G>T, p.Ala344Ser (NM_001406813.1); and 2 more; short protein forms A167S, A212S, A243S, A286S, A316S, A342S, A344S, A374S.
Identifiers: ClinVar variation 4800193 (VCV004800193.1).